The following is an entry in ClinVar:

NM_005787.6(ALG3):c.763A>C (p.Ser255Arg)

Gene: ALG3 (ALG3 alpha-1,3- mannosyltransferase; minus strand). Cytogenetic location: 3q27.1.
Variant type: single nucleotide variant.
Coding change: c.763A>C on transcript NM_005787.6 (MANE Select); coding-DNA position 763, A replaced by C.
Protein change: p.Ser255Arg; replaces serine 255 with arginine.
Molecular consequence: missense variant. On other transcripts: non-coding transcript variant (2).
Genome position (GRCh38, 1-based): chr3:184,243,960, T>G on the plus strand (A>C on the coding strand, the complement: ALG3 is on the minus strand). VCF-style: chr3-184243960-T-G. GRCh37 (hg19) VCF-style: chr3-183961748-T-G.
Other names: c.619A>C, p.Ser207Arg (NM_001006941.2); short protein forms S255R, S207R.
Identifiers: ClinVar variation 849798 (VCV000849798.8), dbSNP rs1718985510, ClinGen allele CA355419216.

ClinVar aggregate classification (germline): Uncertain significance (1 of 4 stars; one submission).

Conditions:
ALG3-congenital disorder of glycosylation. Also called: CONGENITAL DISORDER OF GLYCOSYLATION, TYPE Id; CDG Id; CARBOHYDRATE-DEFICIENT GLYCOPROTEIN SYNDROME, TYPE IV; CDGS, TYPE IV; ALG3-CDG. Identifiers: Orphanet 79321, MedGen C1832736, MONDO:0010998, OMIM 601110.

Submission:

Labcorp Genetics (formerly Invitae), Labcorp
Classification: Uncertain significance for ALG3-congenital disorder of glycosylation. Last evaluated: 2020-01-09. Review status: criteria provided, single submitter. Criteria: Invitae Variant Classification Sherloc (09022015). Collection method: clinical testing. Allele origin: germline.
Comment: In summary, the available evidence is currently insufficient to determine the role of this variant in disease. Therefore, it has been classified as a Variant of Uncertain Significance. Algorithms developed to predict the effect of missense changes on protein structure and function (SIFT, PolyPhen-2, Align-GVGD) all suggest that this variant is likely to be tolerated, but these predictions have not been confirmed by published functional studies and their clinical significance is uncertain. This variant has not been reported in the literature in individuals with ALG3-related conditions. This variant is not present in population databases (ExAC no frequency). This sequence change replaces serine with arginine at codon 255 of the ALG3 protein (p.Ser255Arg). The serine residue is weakly conserved and there is a moderate physicochemical difference between serine and arginine.